The following is an entry in ClinVar:

ClinVar aggregate classification (germline): Uncertain significance (1 of 4 stars; one submission).

Conditions:
Early-infantile DEE. Also called: Early infantile epileptic encephalopathy; Early infantile epileptic encephalopathy with suppression bursts; Ohtahara syndrome. Identifiers: Orphanet 1934, MedGen C0393706, MONDO:0800491.

Submission:

Labcorp Genetics (formerly Invitae), Labcorp
Classification: Uncertain significance for Early-infantile DEE. Last evaluated: 2022-11-29. Review status: criteria provided, single submitter. Criteria: Invitae Variant Classification Sherloc (09022015). Collection method: clinical testing. Allele origin: germline.
Comment: In summary, the available evidence is currently insufficient to determine the role of this variant in disease. Therefore, it has been classified as a Variant of Uncertain Significance. Advanced modeling of protein sequence and biophysical properties (such as structural, functional, and spatial information, amino acid conservation, physicochemical variation, residue mobility, and thermodynamic stability) performed at Invitae indicates that this missense variant is not expected to disrupt SCN8A protein function. This variant has not been reported in the literature in individuals affected with SCN8A-related conditions. This variant is not present in population databases (gnomAD no frequency). This sequence change replaces methionine, which is neutral and non-polar, with isoleucine, which is neutral and non-polar, at codon 524 of the SCN8A protein (p.Met524Ile).

NM_001330260.2(SCN8A):c.1572G>T (p.Met524Ile)

Gene: SCN8A (sodium voltage-gated channel alpha subunit 8; plus strand). Cytogenetic location: 12q13.13.
Variant type: single nucleotide variant.
Coding change: c.1572G>T on transcript NM_001330260.2 (MANE Select); coding-DNA position 1572, G replaced by T.
Protein change: p.Met524Ile; replaces methionine 524 with isoleucine.
Molecular consequence: missense variant.
Genome position (GRCh38, 1-based): chr12:51,706,652, G>T. VCF-style: chr12-51706652-G-T. GRCh37 (hg19) VCF-style: chr12-52100436-G-T.
Other names: c.1572G>T, p.Met524Ile (NM_001177984.3, NM_001369788.1, NM_014191.4); short protein forms M524I.
Identifiers: ClinVar variation 2817438 (VCV002817438.3), dbSNP rs2540186370, ClinGen allele CA385229105.
Genomic context (GRCh38, chr12:51,706,652, plus strand): 5'-TGAAGGAGAGGAGAAAGGGGATCCCGAGAAGGTGTTTAAGTCAGAGTCAGAAGATGGCAT[G>T]AGAAGGAAGGCCTTTCGGCTGCCAGACAACAGAATAGGGAGGAAATTTTCCATCATGAAT-3'
Protein context (NP_001317189.1, residues 514-534): KVFKSESEDG[Met524Ile]RRKAFRLPDN